The following is an entry in ClinVar:

NM_000152.5(GAA):c.1477C>T (p.Pro493Ser)

Gene: GAA (alpha glucosidase; plus strand). Cytogenetic location: 17q25.3.
Variant type: single nucleotide variant.
Coding change: c.1477C>T on transcript NM_000152.5 (MANE Select); coding-DNA position 1477, C replaced by T.
Protein change: p.Pro493Ser; replaces proline 493 with serine.
Molecular consequence: missense variant.
Genome position (GRCh38, 1-based): chr17:80,110,766, C>T. VCF-style: chr17-80110766-C-T. GRCh37 (hg19) VCF-style: chr17-78084565-C-T.
Other names: NM_000152.5(GAA):c.1477C>T; p.Pro493Ser; c.1477C>T, p.Pro493Ser (NM_001079803.3, NM_001079804.3, NM_001406741.1 and 1 more transcripts); short protein forms P493S.
Identifiers: ClinVar variation 2160730 (VCV002160730.9), dbSNP rs1555600755, ClinGen allele CA401366926.
Genomic context (GRCh38, chr17:80,110,766, plus strand): 5'-CTGCAGCCTCTCGTTGTCCAGGTATGGCCCGGGTCCACTGCCTTCCCCGACTTCACCAAC[C>T]CCACAGCCCTGGCCTGGTGGGAGGACATGGTGGCTGAGTTCCATGACCAGGTGCCCTTCG-3'
Protein context (NP_000143.2, residues 483-503): GSTAFPDFTN[Pro493Ser]TALAWWEDMV

ClinVar aggregate classification (germline): Likely pathogenic. Review status: reviewed by expert panel (3 of 4 stars). 4 submissions from 4 submitters: Likely pathogenic (1). 3 of the submissions do not count toward it. Last evaluated 2025-05-06.

Conditions:
Glycogen storage disease, type II (IOPD). Also called: Glycogen storage disease type 2; Acid maltase deficiency disease; Aglucosidase alfa; Deficiency of alpha-glucosidase; Deficiency of lysosomal alpha-glucosidase; POMPE DISEASE, INFANTILE-ONSET. Identifiers: Orphanet 365, MedGen C0017921, MONDO:0009290, OMIM 232300.

Submissions (4):

ClinGen Lysosomal Storage Disorder Variant Curation Expert Panel
Classification: Likely pathogenic for Glycogen storage disease, type II. Last evaluated: 2025-05-06. Review status: reviewed by expert panel. Criteria: clingen_lsd_acmg_specifications_v2-1. Collection method: curation. Allele origin: germline. Inheritance: Autosomal recessive inheritance.
Comment: The NM_000152.5:c.1477C>T variant in GAA is a missense variant predicted to cause substitution of proline by serine at amino acid 493 (p.Pro493Ser). This variant has been detected in at least 1 patient reported to have Pompe disease with reported laboratory values demonstrating deficient GAA activity (Duke University; PMID: 31904026, 32518148) (PP4_moderate). This variant has been detected in at least one individual with Pompe disease. This individual was compound heterozygous for the variant, c.1477C>T (p.Pro493Ser), and two other variants: a variant classified as pathogenic by the ClinGen LD VCEP, c.1978C>T (p.Arg660Cys) (ClinVar Variation ID: 558604, SCV002540656.1), and a variant not classified by the by the ClinGen LD VCEP, c.2221G>A (p.Asp741Asn) (ClinVar Variation ID: 571521) (Duke University; PMID: 31904026, 32518148). The c.1477C>T (p.Pro493Ser) variant was confirmed in trans with the c.1978C>T (p.Arg660Cys) and c.2221G>A (p.Asp741Asn). The phase of these variants was confirmed in trans by parental testing (PM3_not met). Another missense variant, c.1478C>T, p.Pro493Leu (ClinVar Variation ID: 379593) in the same codon has been classified as likely pathogenic for Pompe disease by the ClinGen Lysosomal Diseases VCEP (PM5_supporting). This variant is absent in gnomAD v4.1.0 (PM2_Supporting). Residual in vitro enzyme activity for the variant in 2 replicates resulted in a mean of 12.3% wild type GAA activity (within the pathogenic control range of <15%), indicating that this variant may impact protein function (Duke University) (PS3_Supporting). The computational predictor REVEL gives a score of 0.781 which is above the threshold predicting a damaging (>0.7) impact on GAA function (PP3_met). There is a ClinVar entry for this variant (Variation ID: 2160730; 1 star review status) with one submitter classifying the variant as likely pathogenic, and one as a variant of uncertain significance. In summary, this variant meets the criteria to be classified as Likely Pathogenic for Pompe disease. GAA-specific ACMG/AMP criteria met, based on the specifications of the ClinGen Lysosomal Diseases VCEP (Specifications Version 2.0): PP4_Moderate, PP3_met, PM2_supporting, PM5_supporting, PS3_supporting, PM3_not met). (Classification approved by the ClinGen Lysosomal Diseases Variant Curation Expert Panel on May 6, 2025).

Genomenon, Inc
Classification: Uncertain significance for Glycogen storage disease, type II. Last evaluated: 2026-07-01. Review status: criteria provided, single submitter. Criteria: Genomenon Sequence Variant Interpretation Standards - Updated. Collection method: curation. Allele origin: germline. Affected: no. Not counted in ClinVar's aggregate classification.
Comment: GAA p.Pro493Ser (c.1477C>T) is a missense variant that changes the amino acid at codon 493 from Proline to Serine. This variant has been reported in the published literature (PMID:33073007;32518148;31342611;33560568;38250073;31904026). It is absent or not present at a significant frequency in gnomAD. In silico models predict that this variant is possibly or probably damaging. In conclusion, we classify GAA p.Pro493Ser (c.1477C>T) as a variant of uncertain significance.

Labcorp Genetics (formerly Invitae), Labcorp
Classification: Likely pathogenic for Glycogen storage disease, type II. Last evaluated: 2025-07-20. Review status: criteria provided, single submitter. Criteria: Invitae Variant Classification Sherloc (09022015). Collection method: clinical testing. Allele origin: germline. Not counted in ClinVar's aggregate classification.
Comment: This sequence change replaces proline, which is neutral and non-polar, with serine, which is neutral and polar, at codon 493 of the GAA protein (p.Pro493Ser). This variant is not present in population databases (gnomAD no frequency). This missense change has been observed in individual(s) with clinical features of Pompe disease (PMID: 31342611). ClinVar contains an entry for this variant (Variation ID: 2160730). Invitae Evidence Modeling of protein sequence and biophysical properties (such as structural, functional, and spatial information, amino acid conservation, physicochemical variation, residue mobility, and thermodynamic stability) indicates that this missense variant is expected to disrupt GAA protein function with a positive predictive value of 95%. This variant disrupts the p.Pro493 amino acid residue in GAA. Other variant(s) that disrupt this residue have been determined to be pathogenic (PMID: 20033296, 24495340, 25455803, 29181627). This suggests that this residue is clinically significant, and that variants that disrupt this residue are likely to be disease-causing. In summary, the currently available evidence indicates that the variant is pathogenic, but additional data are needed to prove that conclusively. Therefore, this variant has been classified as Likely Pathogenic.

Revvity Omics, Revvity
Classification: Uncertain significance. Last evaluated: 2025-05-06. Review status: criteria provided, single submitter. Criteria: ACMG Guidelines, 2015. Collection method: clinical testing. Allele origin: germline. Not counted in ClinVar's aggregate classification.

Literature cited by the submitters: PubMed 33073007 (cited by Genomenon, Inc); PubMed 32518148 (cited by Genomenon, Inc); PubMed 31342611 (cited by Genomenon, Inc and Labcorp Genetics (formerly Invitae), Labcorp); PubMed 33560568 (cited by Genomenon, Inc); PubMed 38250073 (cited by Genomenon, Inc); PubMed 31904026 (cited by Genomenon, Inc); PubMed 20033296 (cited by Labcorp Genetics (formerly Invitae), Labcorp); PubMed 24495340 (cited by Labcorp Genetics (formerly Invitae), Labcorp); PubMed 25455803 (cited by Labcorp Genetics (formerly Invitae), Labcorp); PubMed 29181627 (cited by Labcorp Genetics (formerly Invitae), Labcorp).